The following is an entry in ClinVar:

ClinVar aggregate classification (germline): Uncertain significance (1 of 4 stars; one submission).

Conditions:
Neuronal ceroid lipofuscinosis 7 (CLN7). Also called: MFSD8-Related Neuronal Ceroid-Lipofuscinosis. Identifiers: Orphanet 168491, Orphanet 228366, MedGen C1838571, MONDO:0012588, OMIM 610951.

Submission:

Labcorp Genetics (formerly Invitae), Labcorp
Classification: Uncertain significance for Neuronal ceroid lipofuscinosis 7. Last evaluated: 2023-07-07. Review status: criteria provided, single submitter. Criteria: Invitae Variant Classification Sherloc (09022015). Collection method: clinical testing. Allele origin: germline.
Comment: In summary, the available evidence is currently insufficient to determine the role of this variant in disease. Therefore, it has been classified as a Variant of Uncertain Significance. Algorithms developed to predict the effect of sequence changes on RNA splicing suggest that this variant may disrupt the consensus splice site. Advanced modeling of protein sequence and biophysical properties (such as structural, functional, and spatial information, amino acid conservation, physicochemical variation, residue mobility, and thermodynamic stability) has been performed at Invitae for this missense variant, however the output from this modeling did not meet the statistical confidence thresholds required to predict the impact of this variant on MFSD8 protein function. ClinVar contains an entry for this variant (Variation ID: 1997539). This variant has not been reported in the literature in individuals affected with MFSD8-related conditions. This variant is not present in population databases (gnomAD no frequency). This sequence change replaces leucine, which is neutral and non-polar, with valine, which is neutral and non-polar, at codon 409 of the MFSD8 protein (p.Leu409Val).

NM_001371596.2(MFSD8):c.1225C>G (p.Leu409Val)

Gene: MFSD8 (major facilitator superfamily domain containing 8; minus strand). Cytogenetic location: 4q28.2.
Variant type: single nucleotide variant.
Coding change: c.1225C>G on transcript NM_001371596.2 (MANE Select); coding-DNA position 1225, C replaced by G.
Protein change: p.Leu409Val; replaces leucine 409 with valine.
Molecular consequence: missense variant.
Genome position (GRCh38, 1-based): chr4:127,921,649, G>C on the plus strand (C>G on the coding strand, the complement: MFSD8 is on the minus strand). VCF-style: chr4-127921649-G-C. GRCh37 (hg19) VCF-style: chr4-128842804-G-C.
Other names: c.1024C>G, p.Leu342Val (NM_001363520.3); c.910C>G, p.Leu304Val (NM_001363521.3); c.1090C>G, p.Leu364Val (NM_001371590.2); c.1225C>G, p.Leu409Val (NM_001371591.2, NM_152778.4); c.1231C>G, p.Leu411Val (NM_001371592.2); c.1111C>G, p.Leu371Val (NM_001371593.2); c.1078C>G, p.Leu360Val (NM_001371594.2); c.943C>G, p.Leu315Val (NM_001371595.1); and 2 more; short protein forms L315V, L342V, L371V, L409V, L364V, L259V, L304V, L360V.
Identifiers: ClinVar variation 1997539 (VCV001997539.4), dbSNP rs973299734, ClinGen allele CA358171219.